The following is an entry in ClinVar:

ClinVar aggregate classification (germline): Uncertain significance (1 of 4 stars; one submission).

Conditions:
Immunodeficiency 39 (IMD39). Identifiers: Orphanet 574918, MedGen C4225358, MONDO:0014597, OMIM 616345.

gnomAD v4.1: 2 of 1,609,600 alleles (0.00012%); highest among the groups gnomAD compares: Non-Finnish European, 0.00017%; no homozygotes.

Submission:

Labcorp Genetics (formerly Invitae), Labcorp
Classification: Uncertain significance for Immunodeficiency 39. Last evaluated: 2024-09-16. Review status: criteria provided, single submitter. Criteria: Invitae Variant Classification Sherloc (09022015). Collection method: clinical testing. Allele origin: germline.
Comment: This sequence change replaces glycine, which is neutral and non-polar, with arginine, which is basic and polar, at codon 250 of the IRF7 protein (p.Gly250Arg). This variant is not present in population databases (gnomAD no frequency). This variant has not been reported in the literature in individuals affected with IRF7-related conditions. ClinVar contains an entry for this variant (Variation ID: 1914575). An algorithm developed to predict the effect of missense changes on protein structure and function (PolyPhen-2) suggests that this variant is likely to be tolerated. In summary, the available evidence is currently insufficient to determine the role of this variant in disease. Therefore, it has been classified as a Variant of Uncertain Significance.

NM_001572.5(IRF7):c.709G>A (p.Gly237Arg)

Gene: IRF7 (interferon regulatory factor 7; minus strand). Cytogenetic location: 11p15.5.
Variant type: single nucleotide variant.
Coding change: c.709G>A on transcript NM_001572.5 (MANE Select); coding-DNA position 709, G replaced by A.
Protein change: p.Gly237Arg; replaces glycine 237 with arginine.
Molecular consequence: missense variant. On other transcripts: intron variant (1).
Genome position (GRCh38, 1-based): chr11:614,008, C>T on the plus strand (G>A on the coding strand, the complement: IRF7 is on the minus strand). VCF-style: chr11-614008-C-T. GRCh37 (hg19) VCF-style: chr11-614008-C-T.
Other names: c.748G>A, p.Gly250Arg (NM_004031.4); c.680-143G>A (NM_004029.4); short protein forms G250R, G237R.
Identifiers: ClinVar variation 1914575 (VCV001914575.5), dbSNP rs760665585, ClinGen allele CA378980305.
Genomic context (GRCh38, chr11:614,008, plus strand): 5'-CACCTGTCGTTAGTGCCGCGGGCTGGGGCCCGGGGCTGGGGGTCGTCTCTACTGCCCACC[C>T]GTACAGCTCCCCAGCAGGGAGCCCTGGGCCTGAGGAGGGGAGGACAGTGGGAACGGTGGT-3'
Protein context (NP_001563.2, residues 227-247): GPGLPAGELY[Gly237Arg]WAVETTPSPG